The following is an entry in ClinVar:

ClinVar aggregate classification (germline): Pathogenic. Review status: reviewed by expert panel (3 of 4 stars). 2 submissions from 2 submitters: Pathogenic (1). 1 of the submissions does not count toward it. Last evaluated 2025-11-29.

Conditions:
Phenylketonuria (PKU). Also called: Phenylketonuria (PKU); OLIGOPHRENIA PHENYLPYRUVICA; FOLLING DISEASE; Phenylketonurias. Identifiers: Orphanet 716, MedGen C0031485, MONDO:0009861, OMIM 261600. Disease mechanism: loss of function.

Submissions (2):

ClinGen PAH Variant Curation Expert Panel
Classification: Pathogenic for Phenylketonuria. Last evaluated: 2025-11-29. Review status: reviewed by expert panel. Criteria: ClinGen PAH ACMG Specifications v1. Collection method: curation. Allele origin: germline. Inheritance: Autosomal recessive inheritance.
Comment: The NM_000277.3(PAH):c.361T>C variant in PAH is a missense variant predicted to cause substitution of phenylalanine by leucine at amino acid 121 (p.Phe121Leu). At least one patient with this variant displayed plasma phenylalanine concentration persistently above 120umol/L (2mg/dL) AND sequencing of genes in the BH4 cofactor metabolism pathway to exclude a defect of BH4 cofactor metabolism, which is highly specific for PAH deficiency (PP4_Moderate, PMIDs: 28754886, 30459323). This variant has been detected in at least 2 individuals with Phenylketonuria. Both were compound heterozygous for the variant and a pathogenic variant (p.Arg241Cys). Parental testing was not reported. (PMIDs: 30459323, 28754886) (PM3). This variant is absent from gnomAD v4.1.0 (PM2_Supporting). In vitro expression study of this variant in COS-7 cells showed <50% enzyme activity in vitro with < 10 benign/pathogenic variant controls, indicating that this variant impacts protein function (PMID: 24327145; PS3_Supporting). The computational predictor REVEL gives a score of 0.995, which meets the threshold of 0.932, evidence that correlates with strong impact to PAH function (PP3_Strong). In summary, this variant meets criteria to be classified as pathogenic for PAH deficiency. PAH-specific ACMG/AMP criteria applied: PS3_supporting, PM2_supporting, PM3, PP3_strong, PP4_moderate. Version 2.0, 7/16/2024.

Labcorp Genetics (formerly Invitae), Labcorp
Classification: Pathogenic for Phenylketonuria. Last evaluated: 2021-12-14. Review status: criteria provided, single submitter. Criteria: Invitae Variant Classification Sherloc (09022015). Collection method: clinical testing. Allele origin: germline. Not counted in ClinVar's aggregate classification.
Comment: For these reasons, this variant has been classified as Pathogenic. Advanced modeling of protein sequence and biophysical properties (such as structural, functional, and spatial information, amino acid conservation, physicochemical variation, residue mobility, and thermodynamic stability) performed at Invitae indicates that this missense variant is expected to disrupt PAH protein function. This missense change has been observed in individual(s) with hyperphenylalaninemia (PMID: 19915519, 23792259). In at least one individual the data is consistent with being in trans (on the opposite chromosome) from a pathogenic variant. This variant is not present in population databases (gnomAD no frequency). This sequence change replaces phenylalanine, which is neutral and non-polar, with leucine, which is neutral and non-polar, at codon 121 of the PAH protein (p.Phe121Leu).

Literature cited by the submitters: PubMed 19915519 (cited by Labcorp Genetics (formerly Invitae), Labcorp); PubMed 23792259 (cited by Labcorp Genetics (formerly Invitae), Labcorp).

NM_000277.3(PAH):c.361T>C (p.Phe121Leu)

Gene: PAH (phenylalanine hydroxylase; minus strand). Cytogenetic location: 12q23.2.
Variant type: single nucleotide variant.
Coding change: c.361T>C on transcript NM_000277.3 (MANE Select); coding-DNA position 361, T replaced by C.
Protein change: p.Phe121Leu; replaces phenylalanine 121 with leucine.
Molecular consequence: missense variant.
Genome position (GRCh38, 1-based): chr12:102,877,542, A>G on the plus strand (T>C on the coding strand, the complement: PAH is on the minus strand). VCF-style: chr12-102877542-A-G. GRCh37 (hg19) VCF-style: chr12-103271320-A-G.
Other names: NM_001354304.2:c.361T>C; c.361T>C, p.Phe121Leu (NM_001354304.2); short protein forms F121L.
Identifiers: ClinVar variation 2137411 (VCV002137411.4), dbSNP rs1876627337, ClinGen allele CA16020777.